The following is an entry in ClinVar:

NM_001394998.1(TANC2):c.3282A>T (p.Glu1094Asp)

Genes: TANC2 (tetratricopeptide repeat, ankyrin repeat and coiled-coil containing 2; plus strand), LOC105371856 (uncharacterized LOC105371856; minus strand). Cytogenetic location: 17q23.3.
Variant type: single nucleotide variant.
Coding change: c.3282A>T on transcript NM_001394998.1 (MANE Select); coding-DNA position 3282, A replaced by T.
Protein change: p.Glu1094Asp; replaces glutamic acid 1094 with aspartic acid.
Molecular consequence: missense variant.
Genome position (GRCh38, 1-based): chr17:63,398,865, A>T. VCF-style: chr17-63398865-A-T. GRCh37 (hg19) VCF-style: chr17-61476226-A-T.
Other names: c.3060A>T, p.Glu1020Asp (NM_001411076.1, NM_025185.4); short protein forms E1020D, E1094D.
Identifiers: ClinVar variation 4282192 (VCV004282192.1).

ClinVar aggregate classification (germline): Uncertain significance (1 of 4 stars; one submission).

Submission:

GeneDx
Classification: Uncertain significance. Last evaluated: 2025-04-14. Review status: criteria provided, single submitter. Criteria: GeneDx Variant Classification Process June 2021. Collection method: clinical testing. Allele origin: germline. Affected: yes.
Comment: Not observed at significant frequency in large population cohorts (gnomAD); In silico analysis indicates that this missense variant does not alter protein structure/function; Has not been previously published as pathogenic or benign to our knowledge